The following is an entry in ClinVar:

NC_000013.10:g.(?_102521055)_(103718599_?)del

Genes: BIVM (basic, immunoglobulin-like variable motif containing; plus strand), BIVM-ERCC5 (BIVM-ERCC5 readthrough; plus strand), CCDC168 (coiled-coil domain containing 168; minus strand), ERCC5 (ERCC excision repair 5, endonuclease; plus strand), FGF14 (fibroblast growth factor 14; minus strand) and 5 more. Cytogenetic location: 13q33.1.
Variant type: Deletion.
Identifiers: ClinVar variation 2424668 (VCV002424668.3).

ClinVar aggregate classification (germline): Pathogenic (1 of 4 stars; one submission).

Conditions:
Evans syndrome, immunodeficiency, and premature immunosenescence associated with tripeptidyl-peptidase II deficiency. Identifiers: MedGen CN231723. Disease mechanism: loss of function.

Submission:

Labcorp Genetics (formerly Invitae), Labcorp
Classification: Pathogenic for Evans syndrome, immunodeficiency, and premature immunosenescence associated with tripeptidyl-peptidase II deficiency. Last evaluated: 2022-06-08. Review status: criteria provided, single submitter. Criteria: Invitae Variant Classification Sherloc (09022015). Collection method: clinical testing. Allele origin: germline.
Comment: For these reasons, this variant has been classified as Pathogenic. This variant has not been reported in the literature in individuals affected with TPP2-related conditions. A gross deletion of the genomic region encompassing the full coding sequence of the TPP2 gene has been identified. Loss-of-function variants in TPP2 are known to be pathogenic (PMID: 25414442). The boundaries of this event are unknown as they extend beyond the assayed region for this gene and therefore may encompass additional genes.

Literature cited by the submitters: PubMed 25414442.